The following is an entry in ClinVar:

NM_002025.4(AFF2):c.3431C>A (p.Ala1144Glu)

Gene: AFF2 (ALF transcription elongation factor 2; plus strand). Cytogenetic location: Xq28.
Variant type: single nucleotide variant.
Coding change: c.3431C>A on transcript NM_002025.4 (MANE Select); coding-DNA position 3431, C replaced by A.
Protein change: p.Ala1144Glu; replaces alanine 1144 with glutamic acid.
Molecular consequence: missense variant.
Genome position (GRCh38, 1-based): chrX:148,977,959, C>A. VCF-style: chrX-148977959-C-A. GRCh37 (hg19) VCF-style: chrX-148059489-C-A.
Other names: c.3326C>A, p.Ala1109Glu (NM_001169122.2, NM_001169124.2); c.3401C>A, p.Ala1134Glu (NM_001169123.2); c.3314C>A, p.Ala1105Glu (NM_001169125.2); c.2354C>A, p.Ala785Glu (NM_001170628.1); short protein forms A1105E, A1109E, A1134E, A1144E, A785E.
Identifiers: ClinVar variation 1809889 (VCV001809889.1), dbSNP rs2521978000, ClinGen allele CA414514788.
Genomic context (GRCh38, chrX:148,977,959, plus strand): 5'-AGATTCCACTTTAGCTTTTCTTTTCTCTTCAAAGGTATGCAATGAGGCTGAAGAACTTTG[C>A]AAGTCCCTTGGCTTCGGATGGGGACAAAAAGCTAGCAGTACTATGGTGAGTCCCATGGAG-3'
Protein context (NP_002016.2, residues 1134-1154): LRYAMRLKNF[Ala1144Glu]SPLASDGDKK

ClinVar aggregate classification (germline): Uncertain significance (1 of 4 stars; one submission).

Submission:

GeneDx
Classification: Uncertain significance. Last evaluated: 2022-06-30. Review status: criteria provided, single submitter. Criteria: GeneDx Variant Classification Process June 2021. Collection method: clinical testing. Allele origin: germline. Affected: yes.
Comment: Not observed at significant frequency in large population cohorts (gnomAD); In silico analysis supports that this missense variant does not alter protein structure/function; Has not been previously published as pathogenic or benign to our knowledge